The following is an entry in ClinVar:

ClinVar aggregate classification (germline): Uncertain significance. Review status: criteria provided, multiple submitters, no conflicts (2 of 4 stars). 2 submissions from 2 submitters: Uncertain significance (2). Last evaluated 2025-12-02.

Conditions:
Inborn genetic diseases. Identifiers: MedGen C0950123, MeSH D030342.

Allele frequency attached by ClinVar (database versions not stated): gnomAD 0.00001; ExAC 0.00002; gnomAD exomes 0.00002; TOPMed 0.00003; 1000 Genomes Project 30x 0.00016; 1000 Genomes Project 0.00020.
gnomAD v4.1: 35 of 1,612,644 alleles (0.0022%); highest among the groups gnomAD compares: East Asian, 0.016%; no homozygotes.

Submissions (2):

Labcorp Genetics (formerly Invitae), Labcorp
Classification: Uncertain significance. Last evaluated: 2025-12-02. Review status: criteria provided, single submitter. Criteria: Invitae Variant Classification Sherloc (09022015). Collection method: clinical testing. Allele origin: germline.
Comment: This sequence change replaces threonine, which is neutral and polar, with alanine, which is neutral and non-polar, at codon 832 of the DDX58 protein (p.Thr832Ala). This variant is present in population databases (rs567033543, gnomAD 0.03%). This variant has not been reported in the literature in individuals affected with DDX58-related conditions. ClinVar contains an entry for this variant (Variation ID: 2184830). Invitae Evidence Modeling of protein sequence and biophysical properties (such as structural, functional, and spatial information, amino acid conservation, physicochemical variation, residue mobility, and thermodynamic stability) indicates that this missense variant is not expected to disrupt DDX58 protein function with a negative predictive value of 80%. In summary, the available evidence is currently insufficient to determine the role of this variant in disease. Therefore, it has been classified as a Variant of Uncertain Significance.

Ambry Genetics
Classification: Uncertain significance for Inborn genetic diseases. Last evaluated: 2022-07-12. Review status: criteria provided, single submitter. Criteria: Ambry Variant Classification Scheme 2023. Collection method: clinical testing. Allele origin: germline.

NM_014314.4(RIGI):c.2494A>G (p.Thr832Ala)

Gene: RIGI (RNA sensor RIG-I; minus strand). Cytogenetic location: 9p21.1.
Variant type: single nucleotide variant.
Coding change: c.2494A>G on transcript NM_014314.4 (MANE Select); coding-DNA position 2494, A replaced by G.
Protein change: p.Thr832Ala; replaces threonine 832 with alanine.
Molecular consequence: missense variant.
Genome position (GRCh38, 1-based): chr9:32,457,406, T>C on the plus strand (A>G on the coding strand, the complement: RIGI is on the minus strand). VCF-style: chr9-32457406-T-C. GRCh37 (hg19) VCF-style: chr9-32457404-T-C.
Other names: c.2494A>G (NM_014314.3); c.2488A>G, p.Thr830Ala (NM_001385907.1); c.2323A>G, p.Thr775Ala (NM_001385909.1); c.2053A>G, p.Thr685Ala (NM_001385910.1); c.1885A>G, p.Thr629Ala (NM_001385912.1); c.2479A>G, p.Thr827Ala (NM_001385913.1); c.2050A>G, p.Thr684Ala (NM_001385914.1); short protein forms T629A, T685A, T827A, T832A, T684A, T775A, T830A.
Identifiers: ClinVar variation 2184830 (VCV002184830.5), dbSNP rs567033543, ClinGen allele CA5019465.
Genomic context (GRCh38, chr9:32,457,406, plus strand): 5'-GCTTTGGCTTGGGATGTGGTCTACTCACAAAGCATTCCTTAAAAGCATCTCCAAGCACAG[T>C]GTAATGGCATTCCTACAGATGAAGGGATGGAATAACACACAAAAGAGAACGTTAGAACCA-3'
Protein context (NP_055129.2, residues 822-842): DVRVIEECHY[Thr832Ala]VLGDAFKECF